The following is an entry in ClinVar:

NM_001035.3(RYR2):c.6388C>T (p.Leu2130=)

Gene: RYR2 (ryanodine receptor 2; plus strand). Cytogenetic location: 1q43.
Variant type: single nucleotide variant.
Coding change: c.6388C>T on transcript NM_001035.3 (MANE Select); coding-DNA position 6388, C replaced by T.
Protein change: p.Leu2130=; no amino-acid change (leucine 2130 retained).
Molecular consequence: synonymous variant.
Genome position (GRCh38, 1-based): chr1:237,628,028, C>T. VCF-style: chr1-237628028-C-T. GRCh37 (hg19) VCF-style: chr1-237791328-C-T.
Identifiers: ClinVar variation 919851 (VCV000919851.3), dbSNP rs1214664867, ClinGen allele CA423821945.

ClinVar aggregate classification (germline): Likely benign. Review status: criteria provided, multiple submitters, no conflicts (2 of 4 stars). 2 submissions from 2 submitters: Likely benign (2). Last evaluated 2023-04-27.

Conditions:
Catecholaminergic polymorphic ventricular tachycardia (CVPT). Also called: Catecholamine-induced polymorphic ventricular tachycardia. Identifiers: Orphanet 3286, MedGen C5574922, MONDO:0017990.
Cardiomyopathy (CMYO). Also called: Cardiomyopathies. Identifiers: Orphanet 167848, MedGen C0878544, MONDO:0004994, HP:0001638. Inheritance: Various modes of inheritance.

Allele frequency attached by ClinVar (database versions not stated): TOPMed below 0.00001; gnomAD 0.00001.
gnomAD v4.1: 1 of 1,613,742 alleles (0.000062%); highest among the groups gnomAD compares: Non-Finnish European, 0.000085%; no homozygotes.

Submissions (2):

All of Us Research Program, National Institutes of Health
Classification: Likely benign for Catecholaminergic polymorphic ventricular tachycardia. Last evaluated: 2023-04-27. Review status: criteria provided, single submitter. Criteria: ACMG Guidelines, 2015. Collection method: clinical testing. Allele origin: germline. Inheritance: Autosomal dominant inheritance. Observed: 1 variant allele, 1 heterozygote.
Comment: This study involves interpretation of variants in research participants for the purpose of population health screening. Participant phenotype was not available at the time of variant classification. Additional details can be found in publication PMID: 35346344, PMCID: PMC8962531

Color Diagnostics, LLC DBA Color Health
Classification: Likely benign for Cardiomyopathy. Last evaluated: 2019-08-09. Review status: criteria provided, single submitter. Criteria: ACMG Guidelines, 2015. Collection method: clinical testing. Allele origin: germline.